The following is an entry in ClinVar:

ClinVar aggregate classification (germline): Uncertain significance (1 of 4 stars; one submission).

Submission:

Labcorp Genetics (formerly Invitae), Labcorp
Classification: Uncertain significance. Last evaluated: 2026-01-05. Review status: criteria provided, single submitter. Criteria: Invitae Variant Classification Sherloc (09022015). Collection method: clinical testing. Allele origin: germline.
Comment: This variant, c.5309_5320del, is a complex sequence change that results in the deletion of 5 and insertion of 1 amino acid(s) in the LRP2 protein (p.Ala1770_Ile1774delinsVal). This variant is not present in population databases (gnomAD no frequency). This variant has not been reported in the literature in individuals affected with LRP2-related conditions. ClinVar contains an entry for this variant (Variation ID: 2008658). Experimental studies and prediction algorithms are not available or were not evaluated, and the functional significance of this variant is currently unknown. In summary, the available evidence is currently insufficient to determine the role of this variant in disease. Therefore, it has been classified as a Variant of Uncertain Significance.

NM_004525.3(LRP2):c.5309_5320del (p.Ala1770_Ile1774delinsVal)

Gene: LRP2 (LDL receptor related protein 2; minus strand). Cytogenetic location: 2q31.1.
Variant type: Deletion.
Coding change: c.5309_5320del on transcript NM_004525.3 (MANE Select); coding-DNA positions 5309 to 5320, 12 bases deleted (CTATGGTCCCCA).
Protein change: p.Ala1770_Ile1774delinsVal.
Molecular consequence: inframe indel.
Genome position (GRCh38, 1-based): chr2:169,226,496-169,226,507, TGGGGACCATAG deleted on the plus strand (CTATGGTCCCCA on the coding strand, the reverse complement: LRP2 is on the minus strand). VCF-style (leftmost placement, unchanged base first): chr2-169226495-ATGGGGACCATAG-A. GRCh37 (hg19) VCF-style: chr2-170083005-ATGGGGACCATAG-A.
Identifiers: ClinVar variation 2008658 (VCV002008658.4), dbSNP rs2545852903, ClinGen allele CA2580064442.
Genomic context (GRCh38, chr2:169,226,495, plus strand): 5'-CAATAGATGTATTGCTCAGCATCATCAAATTCAACATCTAAACCATTCTGTATCCCTGCT[ATGGGGACCATAG>A]CATCATTGCTCTTCACCTCAGGATTAAGGGAGATTCCAAAAATTATATGTTGCCTTACAG-3'